The following is an entry in ClinVar:

NM_000179.3(MSH6):c.3805T>G (p.Cys1269Gly)

Gene: MSH6 (mutS homolog 6; plus strand). Cytogenetic location: 2p16.3.
Variant type: single nucleotide variant.
Coding change: c.3805T>G on transcript NM_000179.3 (MANE Select); coding-DNA position 3805, T replaced by G.
Protein change: p.Cys1269Gly; replaces cysteine 1269 with glycine.
Molecular consequence: missense variant. On other transcripts: non-coding transcript variant (5), intron variant (2).
Genome position (GRCh38, 1-based): chr2:47,806,455, T>G. VCF-style: chr2-47806455-T-G. GRCh37 (hg19) VCF-style: chr2-48033594-T-G.
Other names: c.3415T>G, p.Cys1139Gly (NM_001281492.2); c.2899T>G, p.Cys967Gly (NM_001281493.2, NM_001281494.2, NM_001406811.1 and 6 more transcripts); c.3901T>G, p.Cys1301Gly (NM_001406795.1); c.3805T>G, p.Cys1269Gly (NM_001406796.1, NM_001406808.1, NM_001406809.1); c.3508T>G, p.Cys1170Gly (NM_001406797.1, NM_001406801.1, NM_001406805.1 and 10 more transcripts); c.3631T>G, p.Cys1211Gly (NM_001406798.1); c.3280T>G, p.Cys1094Gly (NM_001406799.1, NM_001406806.1, NM_001406807.1); c.2941T>G, p.Cys981Gly (NM_001406803.1); and 9 more; short protein forms C1094G, C1139G, C1243G, C747G, C967G, C1213G, C1301G, C218G.
Identifiers: ClinVar variation 3296381 (VCV003296381.1).

ClinVar aggregate classification (germline): Uncertain significance (1 of 4 stars; one submission).

Conditions:
Hereditary cancer-predisposing syndrome. Also called: Tumor predisposition; Hereditary Cancer Syndrome; Hereditary neoplastic syndrome; Neoplastic Syndromes, Hereditary. Identifiers: Orphanet 140162, MedGen C0027672, MeSH D009386, MONDO:0015356.

gnomAD v4.1: 1 of 1,614,096 alleles (0.000062%); no homozygotes.

Submission:

Ambry Genetics
Classification: Uncertain significance for Hereditary cancer-predisposing syndrome. Last evaluated: 2024-04-23. Review status: criteria provided, single submitter. Criteria: Ambry Variant Classification Scheme 2023. Collection method: clinical testing. Allele origin: germline.
Comment: The p.C1269G variant (also known as c.3805T>G), located in coding exon 9 of the MSH6 gene, results from a T to G substitution at nucleotide position 3805. The cysteine at codon 1269 is replaced by glycine, an amino acid with highly dissimilar properties. This amino acid position is highly conserved in available vertebrate species. In addition, this alteration is predicted to be deleterious by in silico analysis. Based on the available evidence, the clinical significance of this variant remains unclear.